The following is an entry in ClinVar:

NM_001128425.2(MUTYH):c.189G>A (p.Gly63=)

Gene: MUTYH (mutY DNA glycosylase; minus strand). Cytogenetic location: 1p34.1.
Variant type: single nucleotide variant.
Coding change: c.189G>A on transcript NM_001128425.2 (MANE Plus Clinical); coding-DNA position 189, G replaced by A.
Protein change: p.Gly63=; no amino-acid change (glycine 63 retained).
Molecular consequence: synonymous variant. On other transcripts: intron variant (24).
Genome position (GRCh38, 1-based): chr1:45,333,572, C>T on the plus strand (G>A on the coding strand, the complement: MUTYH is on the minus strand). VCF-style: chr1-45333572-C-T. GRCh37 (hg19) VCF-style: chr1-45799244-C-T.
Other names: c.116-11G>A (NM_001407089.1, NM_001407081.1, NM_001048174.2 and 7 more transcripts); c.116-8G>A (NM_001407078.1, NM_001407086.1, NM_001407071.1 and 2 more transcripts); c.-97-75G>A (NM_001407091.1, NM_001293192.2, NM_001293196.2); c.134-8G>A (NM_001407087.1); c.138G>A, p.Gly46= (NM_001293191.2, NM_001407077.1); c.180G>A, p.Gly60= (NM_001407069.1, NM_012222.3); c.21G>A, p.Gly7= (NM_001407075.1); c.147G>A, p.Gly49= (NM_001407083.1, NM_001407085.1); and 4 more.
Identifiers: ClinVar variation 3075523 (VCV003075523.2), dbSNP rs1381181119, ClinGen allele CA417702213.

ClinVar aggregate classification (germline): Likely benign. Review status: criteria provided, multiple submitters, no conflicts (2 of 4 stars). 2 submissions from 2 submitters: Likely benign (2). Last evaluated 2026-01-11.

Conditions:
Hereditary cancer-predisposing syndrome. Also called: Tumor predisposition; Hereditary Cancer Syndrome; Hereditary neoplastic syndrome; Neoplastic Syndromes, Hereditary. Identifiers: Orphanet 140162, MedGen C0027672, MeSH D009386, MONDO:0015356.
Familial adenomatous polyposis 2. Also called: COLORECTAL ADENOMATOUS POLYPOSIS, AUTOSOMAL RECESSIVE; ADENOMAS, MULTIPLE COLORECTAL, AUTOSOMAL RECESSIVE; MYH-associated polyposis; MUTYH-associated polyposis; MUTYH-related attenuated familial adenomatous polyposis; MUTYH Polyposis. Identifiers: Orphanet 220460, Orphanet 247798, MedGen C3272841, MONDO:0012041, OMIM 608456.

Allele frequency attached by ClinVar (database versions not stated): TOPMed below 0.00001; gnomAD 0.00001; gnomAD exomes below 0.00001.
gnomAD v4.1: 2 of 1,612,718 alleles (0.00012%); highest among the groups gnomAD compares: Non-Finnish European, 0.00017%; no homozygotes.

Submissions (2):

Ambry Genetics
Classification: Likely benign for Hereditary cancer-predisposing syndrome. Last evaluated: 2026-01-11. Review status: criteria provided, single submitter. Criteria: Ambry Variant Classification Scheme 2023. Collection method: clinical testing. Allele origin: germline.

All of Us Research Program, National Institutes of Health
Classification: Likely benign for Familial adenomatous polyposis 2. Last evaluated: 2023-03-23. Review status: criteria provided, single submitter. Criteria: ACMG Guidelines, 2015. Collection method: clinical testing. Allele origin: germline. Inheritance: Autosomal recessive inheritance. Observed: 1 variant allele, 1 heterozygote.
Comment: This study involves interpretation of variants in research participants for the purpose of population health screening. Participant phenotype was not available at the time of variant classification. Additional details can be found in publication PMID: 35346344, PMCID: PMC8962531